The following is an entry in ClinVar:

NM_000059.4(BRCA2):c.269T>C (p.Leu90Pro)

Gene: BRCA2 (BRCA2 DNA repair associated; plus strand). Cytogenetic location: 13q13.1.
Variant type: single nucleotide variant.
Coding change: c.269T>C on transcript NM_000059.4 (MANE Select); coding-DNA position 269, T replaced by C.
Protein change: p.Leu90Pro; replaces leucine 90 with proline.
Molecular consequence: missense variant.
Genome position (GRCh38, 1-based): chr13:32,319,278, T>C. VCF-style: chr13-32319278-T-C. GRCh37 (hg19) VCF-style: chr13-32893415-T-C.
Other names: short protein forms L90P.
Identifiers: ClinVar variation 449633 (VCV000449633.13), dbSNP rs1555280422, ClinGen allele CA387754578.

ClinVar aggregate classification (germline): Uncertain significance. Review status: criteria provided, multiple submitters, no conflicts (2 of 4 stars). 3 submissions from 3 submitters: Uncertain significance (3). Last evaluated 2025-10-02.

Conditions:
Hereditary cancer-predisposing syndrome. Also called: Neoplastic Syndromes, Hereditary; Hereditary neoplastic syndrome; Hereditary Cancer Syndrome; Tumor predisposition. Identifiers: Orphanet 140162, MedGen C0027672, MeSH D009386, MONDO:0015356.
Hereditary breast ovarian cancer syndrome. Also called: Hereditary breast and ovarian cancer syndrome; BRCA1- and BRCA2-Associated Hereditary Breast and Ovarian Cancer; Hereditary breast and/or ovarian cancer syndrome; Breast and ovarian cancer; Hereditary breast and ovarian cancer; Hereditary breast and ovarian cancer syndrome (HBOC). Identifiers: Orphanet 145, MedGen C0677776, MeSH D061325, MONDO:0003582. Disease mechanism: loss of function.

Allele frequency attached by ClinVar (database versions not stated): gnomAD exomes below 0.00001.
gnomAD v4.1: 1 of 1,613,960 alleles (0.000062%); highest among the groups gnomAD compares: Non-Finnish European, 0.000085%; no homozygotes.

Submissions (3):

Ambry Genetics
Classification: Uncertain significance for Hereditary cancer-predisposing syndrome. Last evaluated: 2025-10-02. Review status: criteria provided, single submitter. Criteria: Ambry Variant Classification Scheme 2023. Collection method: clinical testing. Allele origin: germline.
Comment: The p.L90P variant (also known as c.269T>C), located in coding exon 2 of the BRCA2 gene, results from a T to C substitution at nucleotide position 269. The leucine at codon 90 is replaced by proline, an amino acid with similar properties. This amino acid position is well conserved in available vertebrate species. In addition, this alteration is predicted to be tolerated by in silico analysis. Since supporting evidence is limited at this time, the clinical significance of this alteration remains unclear.

Labcorp Genetics (formerly Invitae), Labcorp
Classification: Uncertain significance for Hereditary breast ovarian cancer syndrome. Last evaluated: 2023-10-05. Review status: criteria provided, single submitter. Criteria: Invitae Variant Classification Sherloc (09022015). Collection method: clinical testing. Allele origin: germline.
Comment: This sequence change replaces leucine, which is neutral and non-polar, with proline, which is neutral and non-polar, at codon 90 of the BRCA2 protein (p.Leu90Pro). This variant is not present in population databases (gnomAD no frequency). This variant has not been reported in the literature in individuals affected with BRCA2-related conditions. ClinVar contains an entry for this variant (Variation ID: 449633). Advanced modeling of protein sequence and biophysical properties (such as structural, functional, and spatial information, amino acid conservation, physicochemical variation, residue mobility, and thermodynamic stability) performed at Invitae indicates that this missense variant is not expected to disrupt BRCA2 protein function. In summary, the available evidence is currently insufficient to determine the role of this variant in disease. Therefore, it has been classified as a Variant of Uncertain Significance.

GeneDx
Classification: Uncertain significance. Last evaluated: 2017-05-26. Review status: criteria provided, single submitter. Criteria: GeneDx Variant Classification (06012015). Collection method: clinical testing. Allele origin: germline. Affected: yes.
Comment: This variant is denoted BRCA2 c.269T>C at the cDNA level, p.Leu90Pro (L90P) at the protein level, and results in the change of a Leucine to a Proline (CTG>CCG). Using alternate nomenclature, this variant would be defined as BRCA2 497T>C. This variant has not, to our knowledge, been published in the literature as pathogenic or benign. BRCA2 Leu90Pro was not observed in large population cohorts (NHLBI Exome Sequencing Project, The 1000 Genomes Consortium 2015, Lek 2016). Since Leucine and Proline differ in some properties, this is considered a semi-conservative amino acid substitution. BRCA2 Leu90Pro occurs at a position that is not conserved and is not located in a known functional domain. In silico analyses predict that this variant is unlikely to alter protein structure or function. Based on currently available evidence, it is unclear whether BRCA2 Leu90Pro is a pathogenic or benign variant. We consider it to be a variant of uncertain significance.